The following is an entry in ClinVar:

ClinVar aggregate classification (germline): Likely benign (1 of 4 stars; one submission).

Conditions:
Hereditary diffuse gastric adenocarcinoma (HDGC). Also called: DIFFUSE GASTRIC AND LOBULAR BREAST CANCER SYNDROME. Identifiers: Orphanet 26106, MedGen C1708349, MONDO:0007648, OMIM 137215.

Submission:

Myriad Genetics, Inc.
Classification: Likely benign for Hereditary diffuse gastric adenocarcinoma. Last evaluated: 2024-10-11. Review status: criteria provided, single submitter. Criteria: Myriad Autosomal Dominant, Autosomal Recessive and X-Linked Classification Criteria (2023). Collection method: clinical testing. Allele origin: unknown.
Comment: This variant is considered likely benign. This variant is intronic and is not expected to impact mRNA splicing.

NM_001903.5(CTNNA1):c.1390-14A>G

Gene: CTNNA1 (catenin alpha 1; plus strand). Cytogenetic location: 5q31.2.
Variant type: single nucleotide variant.
Coding change: c.1390-14A>G on transcript NM_001903.5 (MANE Select); 14 bases into the intron before coding-DNA position 1390, A replaced by G.
Molecular consequence: intron variant.
Genome position (GRCh38, 1-based): chr5:138,917,728, A>G. VCF-style: chr5-138917728-A-G. GRCh37 (hg19) VCF-style: chr5-138253417-A-G.
Other names: c.1390-14A>G (NM_001323982.2, NM_001323984.2, NM_001290307.3 and 2 more transcripts); c.1297-14A>G (NM_001323986.2); c.1021-14A>G (NM_001290310.3); c.1081-14A>G (NM_001290309.3); c.280-14A>G (NM_001323996.1, NM_001323993.1, NM_001324005.1 and 17 more transcripts); c.-60-14A>G (NM_001324007.1, NM_001324009.1, NM_001324006.1 and 2 more transcripts); c.37-14A>G (NM_001324013.1, NM_001324012.1); c.187-14A>G (NM_001324011.1).
Identifiers: ClinVar variation 3773184 (VCV003773184.1).
Genomic context (GRCh38, chr5:138,917,728, plus strand): 5'-CCTAGTGAAATGCATGTAAGACAAAGCCATGACTCTGAAAAAGAGTAAACAGTGAAGTTT[A>G]ATATCTTTTGCAGGTTATTAATGCTGCACTGGCTTTAGCAGCAAAACCACAGAGTAAACT-3'